The following is an entry in ClinVar:

ClinVar aggregate classification (germline): Uncertain significance. Review status: criteria provided, multiple submitters, no conflicts (2 of 4 stars). 2 submissions from 2 submitters: Uncertain significance (2). Last evaluated 2026-06-27.

Conditions:
Hereditary cancer-predisposing syndrome. Also called: Hereditary Cancer Syndrome; Tumor predisposition; Neoplastic Syndromes, Hereditary; Hereditary neoplastic syndrome. Identifiers: Orphanet 140162, MedGen C0027672, MeSH D009386, MONDO:0015356.

Submissions (2):

Ambry Genetics
Classification: Uncertain significance for Hereditary cancer-predisposing syndrome. Last evaluated: 2026-06-27. Review status: criteria provided, single submitter. Criteria: Ambry Variant Classification Scheme 2023. Collection method: clinical testing. Allele origin: germline.
Comment: The p.I79V variant (also known as c.235A>G), located in coding exon 2 of the CTNNA1 gene, results from an A to G substitution at nucleotide position 235. The isoleucine at codon 79 is replaced by valine, an amino acid with highly similar properties. This amino acid position is conserved. In addition, this alteration is predicted to be tolerated by in silico analysis. Based on the available evidence, the clinical significance of this variant remains unclear.

Labcorp Genetics (formerly Invitae), Labcorp
Classification: Uncertain significance. Last evaluated: 2025-09-24. Review status: criteria provided, single submitter. Criteria: Invitae Variant Classification Sherloc (09022015). Collection method: clinical testing. Allele origin: germline.
Comment: This sequence change replaces isoleucine, which is neutral and non-polar, with valine, which is neutral and non-polar, at codon 79 of the CTNNA1 protein (p.Ile79Val). This variant is not present in population databases (gnomAD no frequency). This variant has not been reported in the literature in individuals affected with CTNNA1-related conditions. ClinVar contains an entry for this variant (Variation ID: 1480161). Invitae Evidence Modeling of protein sequence and biophysical properties (such as structural, functional, and spatial information, amino acid conservation, physicochemical variation, residue mobility, and thermodynamic stability) indicates that this missense variant is not expected to disrupt CTNNA1 protein function with a negative predictive value of 80%. In summary, the available evidence is currently insufficient to determine the role of this variant in disease. Therefore, it has been classified as a Variant of Uncertain Significance.

NM_001903.5(CTNNA1):c.235A>G (p.Ile79Val)

Gene: CTNNA1 (catenin alpha 1; plus strand). Cytogenetic location: 5q31.2.
Variant type: single nucleotide variant.
Coding change: c.235A>G on transcript NM_001903.5 (MANE Select); coding-DNA position 235, A replaced by G.
Protein change: p.Ile79Val; replaces isoleucine 79 with valine.
Molecular consequence: missense variant. On other transcripts: intron variant (2).
Genome position (GRCh38, 1-based): chr5:138,783,306, A>G. VCF-style: chr5-138783306-A-G. GRCh37 (hg19) VCF-style: chr5-138118995-A-G.
Other names: c.235A>G (NM_001903.2); c.235A>G, p.Ile79Val (NM_001290307.3, NM_001323982.2, NM_001323983.1 and 3 more transcripts); c.-6+34A>G (NM_001290310.3); c.-9+1277A>G (NM_001290309.3); short protein forms I79V.
Identifiers: ClinVar variation 1480161 (VCV001480161.7), dbSNP rs2149656680, ClinGen allele CA361477559.